The following is an entry in ClinVar:

NM_152641.4(ARID2):c.1408C>T (p.His470Tyr)

Gene: ARID2 (AT-rich interaction domain 2; plus strand). Cytogenetic location: 12q12.
Variant type: single nucleotide variant.
Coding change: c.1408C>T on transcript NM_152641.4 (MANE Select); coding-DNA position 1408, C replaced by T.
Protein change: p.His470Tyr; replaces histidine 470 with tyrosine.
Molecular consequence: missense variant.
Genome position (GRCh38, 1-based): chr12:45,839,406, C>T. VCF-style: chr12-45839406-C-T. GRCh37 (hg19) VCF-style: chr12-46233189-C-T.
Other names: c.1408C>T, p.His470Tyr (NM_001347839.2); short protein forms H470Y.
Identifiers: ClinVar variation 4975341 (VCV004975341.1).

ClinVar aggregate classification (germline): Uncertain significance (1 of 4 stars; one submission).

gnomAD v4.1: 3 of 1,613,986 alleles (0.00019%); highest among the groups gnomAD compares: African/African-American, 0.0013%; no homozygotes.

Submission:

GeneDx
Classification: Uncertain significance. Last evaluated: 2026-01-21. Review status: criteria provided, single submitter. Criteria: GeneDx Variant Classification Process June 2021. Collection method: clinical testing. Allele origin: germline.
Comment: Not observed at significant frequency in large population cohorts (gnomAD); In silico analysis suggests that this missense variant does not alter protein structure/function; Has not been previously published as pathogenic or benign to our knowledge